The following is an entry in ClinVar:

NM_000020.3(ACVRL1):c.1048+1G>T

Gene: ACVRL1 (activin A receptor like type 1; plus strand). Cytogenetic location: 12q13.13.
Variant type: single nucleotide variant.
Coding change: c.1048+1G>T on transcript NM_000020.3 (MANE Select); the canonical splice donor site of the intron after coding-DNA position 1048, G replaced by T.
Molecular consequence: splice donor variant.
Genome position (GRCh38, 1-based): chr12:51,915,501, G>T. VCF-style: chr12-51915501-G-T. GRCh37 (hg19) VCF-style: chr12-52309285-G-T.
Other names: c.1048+1G>T (NM_001406487.1, NM_001406488.1, NM_001077401.2 and 1 more transcripts); c.736+1G>T (NM_001406491.1, NM_001406490.1, NM_001406492.1 and 2 more transcripts); c.484+1G>T (NM_001406495.1).
Identifiers: ClinVar variation 1775887 (VCV001775887.2), dbSNP rs2139074368, ClinGen allele CA384901870.
Genomic context (GRCh38, chr12:51,915,501, plus strand): 5'-ACTTCAAGAGCCGCAATGTGCTGGTCAAGAGCAACCTGCAGTGTTGCATCGCCGACCTGG[G>T]TGAGCCGGGCGGGGCAGGGGCGCGCCCTTCACAGGTGGGCGGAGCTTGTGCGCTCTCCTC-3'

ClinVar aggregate classification (germline): Pathogenic (1 of 4 stars; one submission).

Conditions:
Cardiovascular phenotype. Identifiers: MedGen CN230736.

Submission:

Ambry Genetics
Classification: Pathogenic for Cardiovascular phenotype. Last evaluated: 2016-10-14. Review status: criteria provided, single submitter. Criteria: Ambry Variant Classification Scheme 2023. Collection method: clinical testing. Allele origin: germline.
Comment: The c.1048+1G>T intronic pathogenic mutation results from a G to T substitution one nucleotide after coding exon 6 of the ACVRL1 gene. A different substitution at the same position (c.1048+1G>A) was reported in an individual with a clinical diagnosis of HHT (Lesca G et al. Hum. Mutat., 2006 Jun;27:598). In addition to the clinical data, alterations that disrupt the canonical splice site are expected to cause aberrant splicing, resulting in an abnormal protein or a transcript that is subject to nonsense-mediated mRNA decay. As such, this alteration is classified as pathogenic.

Literature cited by the submitters: PubMed 16705692.